The following is an entry in ClinVar:

ClinVar aggregate classification (germline): Uncertain significance (1 of 4 stars; one submission).

Submission:

Labcorp Genetics (formerly Invitae), Labcorp
Classification: Uncertain significance. Last evaluated: 2025-08-22. Review status: criteria provided, single submitter. Criteria: Invitae Variant Classification Sherloc (09022015). Collection method: clinical testing. Allele origin: germline.
Comment: This sequence change replaces proline, which is neutral and non-polar, with serine, which is neutral and polar, at codon 38 of the P3H2 protein (p.Pro38Ser). The frequency data for this variant in the population databases is considered unreliable, as metrics indicate poor data quality at this position in the gnomAD database. This variant has not been reported in the literature in individuals affected with P3H2-related conditions. An algorithm developed to predict the effect of missense changes on protein structure and function (PolyPhen-2) suggests that this variant is likely to be tolerated. In summary, the available evidence is currently insufficient to determine the role of this variant in disease. Therefore, it has been classified as a Variant of Uncertain Significance.

NM_018192.4(P3H2):c.112C>T (p.Pro38Ser)

Gene: P3H2 (prolyl 3-hydroxylase 2; minus strand). Cytogenetic location: 3q28.
Variant type: single nucleotide variant.
Coding change: c.112C>T on transcript NM_018192.4 (MANE Select); coding-DNA position 112, C replaced by T.
Protein change: p.Pro38Ser; replaces proline 38 with serine.
Molecular consequence: missense variant. On other transcripts: intron variant (1).
Genome position (GRCh38, 1-based): chr3:190,120,620, G>A on the plus strand (C>T on the coding strand, the complement: P3H2 is on the minus strand). VCF-style: chr3-190120620-G-A. GRCh37 (hg19) VCF-style: chr3-189838409-G-A.
Other names: c.-64+1583C>T (NM_001134418.2); short protein forms P38S.
Identifiers: ClinVar variation 4703822 (VCV004703822.1).